The following is an entry in ClinVar:

ClinVar aggregate classification (germline): Uncertain significance. Review status: criteria provided, multiple submitters, no conflicts (2 of 4 stars). 2 submissions from 2 submitters: Uncertain significance (2). Last evaluated 2023-06-27.

Conditions:
Early-infantile DEE. Also called: Early infantile epileptic encephalopathy; Early infantile epileptic encephalopathy with suppression bursts; Ohtahara syndrome. Identifiers: Orphanet 1934, MedGen C0393706, MONDO:0800491.
Inborn genetic diseases. Identifiers: MedGen C0950123, MeSH D030342.

Allele frequency attached by ClinVar (database versions not stated): gnomAD exomes below 0.00001.
gnomAD v4.1: 2 of 1,613,818 alleles (0.00012%); highest among the groups gnomAD compares: Non-Finnish European, 0.00017%; no homozygotes.

Submissions (2):

Labcorp Genetics (formerly Invitae), Labcorp
Classification: Uncertain significance for Early-infantile DEE. Last evaluated: 2023-06-27. Review status: criteria provided, single submitter. Criteria: Invitae Variant Classification Sherloc (09022015). Collection method: clinical testing. Allele origin: germline.
Comment: This variant is present in population databases (rs766943052, gnomAD 0.0009%). This variant has not been reported in the literature in individuals affected with HCN1-related conditions. ClinVar contains an entry for this variant (Variation ID: 589995). Advanced modeling of protein sequence and biophysical properties (such as structural, functional, and spatial information, amino acid conservation, physicochemical variation, residue mobility, and thermodynamic stability) has been performed at Invitae for this missense variant, however the output from this modeling did not meet the statistical confidence thresholds required to predict the impact of this variant on HCN1 protein function. This sequence change replaces valine, which is neutral and non-polar, with methionine, which is neutral and non-polar, at codon 566 of the HCN1 protein (p.Val566Met). In summary, the available evidence is currently insufficient to determine the role of this variant in disease. Therefore, it has been classified as a Variant of Uncertain Significance.

Ambry Genetics
Classification: Uncertain significance for Inborn genetic diseases. Last evaluated: 2017-07-26. Review status: criteria provided, single submitter. Criteria: Ambry Variant Classification Scheme 2023. Collection method: clinical testing. Allele origin: germline.
Comment: The p.V566M variant (also known as c.1696G>A), located in coding exon 7 of the HCN1 gene, results from a G to A substitution at nucleotide position 1696. The valine at codon 566 is replaced by methionine, an amino acid with highly similar properties. This amino acid position is highly conserved in available vertebrate species. In addition, this alteration is predicted to be deleterious by in silico analysis. Since supporting evidence is limited at this time, the clinical significance of this alteration remains unclear.

NM_021072.4(HCN1):c.1696G>A (p.Val566Met)

Gene: HCN1 (hyperpolarization activated cyclic nucleotide gated potassium channel 1; minus strand). Cytogenetic location: 5p12.
Variant type: single nucleotide variant.
Coding change: c.1696G>A on transcript NM_021072.4 (MANE Select); coding-DNA position 1696, G replaced by A.
Protein change: p.Val566Met; replaces valine 566 with methionine.
Molecular consequence: missense variant.
Genome position (GRCh38, 1-based): chr5:45,267,176, C>T on the plus strand (G>A on the coding strand, the complement: HCN1 is on the minus strand). VCF-style: chr5-45267176-C-T. GRCh37 (hg19) VCF-style: chr5-45267278-C-T.
Other names: short protein forms V566M.
Identifiers: ClinVar variation 589995 (VCV000589995.10), dbSNP rs766943052, ClinGen allele CA118278937.